The following is an entry in ClinVar:

NM_144991.3(TSPEAR):c.1141G>A (p.Gly381Arg)

Gene: TSPEAR (thrombospondin type laminin G domain and EAR repeats; minus strand). Cytogenetic location: 21q22.3.
Variant type: single nucleotide variant.
Coding change: c.1141G>A on transcript NM_144991.3 (MANE Select); coding-DNA position 1141, G replaced by A.
Protein change: p.Gly381Arg; replaces glycine 381 with arginine.
Molecular consequence: missense variant.
Genome position (GRCh38, 1-based): chr21:44,527,300, C>T on the plus strand (G>A on the coding strand, the complement: TSPEAR is on the minus strand). VCF-style: chr21-44527300-C-T. GRCh37 (hg19) VCF-style: chr21-45947183-C-T.
Other names: c.1141G>A (NM_144991.2); c.937G>A, p.Gly313Arg (NM_001272037.2); short protein forms G381R, G313R.
Identifiers: ClinVar variation 1399366 (VCV001399366.32), dbSNP rs149868515, ClinGen allele CA10056716.

ClinVar aggregate classification (germline): Uncertain significance. Review status: criteria provided, multiple submitters, no conflicts (2 of 4 stars). 5 submissions from 5 submitters: Uncertain significance (5). Last evaluated 2023-11-20.

Conditions:
Inborn genetic diseases. Identifiers: MedGen C0950123, MeSH D030342.

Allele frequency attached by ClinVar (database versions not stated): gnomAD exomes 0.00003 and 0.00007; ExAC 0.00012; gnomAD 0.00023; TOPMed 0.00024; 1000 Genomes Project 0.00040; ESP Exome Variant Server 0.00054; 1000 Genomes Project 30x 0.00062.
gnomAD v4.1: 89 of 1,614,066 alleles (0.0055%); highest among the groups gnomAD compares: African/African-American, 0.072%; no homozygotes.

Submissions (5):

GeneDx
Classification: Uncertain significance. Last evaluated: 2023-11-20. Review status: criteria provided, single submitter. Criteria: GeneDx Variant Classification Process June 2021. Collection method: clinical testing. Allele origin: germline. Affected: yes.
Comment: In silico analysis supports that this missense variant has a deleterious effect on protein structure/function; Has not been previously published as pathogenic or benign to our knowledge

Ambry Genetics
Classification: Uncertain significance for Inborn genetic diseases. Last evaluated: 2023-11-13. Review status: criteria provided, single submitter. Criteria: Ambry Variant Classification Scheme 2023. Collection method: clinical testing. Allele origin: germline.

CeGaT Center for Human Genetics Tuebingen
Classification: Uncertain significance. Last evaluated: 2023-09-01. Review status: criteria provided, single submitter. Criteria: CeGaT Center For Human Genetics Tuebingen Variant Classification Criteria Version 2. Collection method: clinical testing. Allele origin: germline. Affected: yes. Observed: 1 variant allele.

Labcorp Genetics (formerly Invitae), Labcorp
Classification: Uncertain significance. Last evaluated: 2022-07-12. Review status: criteria provided, single submitter. Criteria: Invitae Variant Classification Sherloc (09022015). Collection method: clinical testing. Allele origin: germline.
Comment: Algorithms developed to predict the effect of missense changes on protein structure and function are either unavailable or do not agree on the potential impact of this missense change (SIFT: "Deleterious"; PolyPhen-2: "Probably Damaging"; Align-GVGD: "Class C15"). Algorithms developed to predict the effect of sequence changes on RNA splicing suggest that this variant may create or strengthen a splice site. In summary, the available evidence is currently insufficient to determine the role of this variant in disease. Therefore, it has been classified as a Variant of Uncertain Significance. ClinVar contains an entry for this variant (Variation ID: 1399366). This sequence change replaces glycine, which is neutral and non-polar, with arginine, which is basic and polar, at codon 381 of the TSPEAR protein (p.Gly381Arg). This variant is present in population databases (rs149868515, gnomAD 0.07%). This variant has not been reported in the literature in individuals affected with TSPEAR-related conditions.

Blueprint Genetics
Classification: Uncertain significance. Last evaluated: 2021-12-30. Review status: criteria provided, single submitter. Criteria: ACMG Guidelines, 2015. Collection method: clinical testing. Allele origin: germline.